The following is an entry in ClinVar:

ClinVar aggregate classification (germline): Uncertain significance (1 of 4 stars; one submission).

Conditions:
Hypohidrotic X-linked ectodermal dysplasia (XHED). Also called: ECTODERMAL DYSPLASIA 1, HYPOHIDROTIC/HAIR/TOOTH TYPE, X-LINKED; ECTODERMAL DYSPLASIA 1; Ectodermal Dysplasia 1, Anhidrotic; ECTODERMAL DYSPLASIA, HYPOHIDROTIC, 1; CST SYNDROME; Anhidrotic ectodermal dysplasia X-linked. Identifiers: Orphanet 181, Orphanet 238468, MedGen C0162359, MONDO:0010585, OMIM 305100.

Submission:

Labcorp Genetics (formerly Invitae), Labcorp
Classification: Uncertain significance for Hypohidrotic X-linked ectodermal dysplasia. Last evaluated: 2018-06-26. Review status: criteria provided, single submitter. Criteria: Invitae Variant Classification Sherloc (09022015). Collection method: clinical testing. Allele origin: germline.
Comment: In summary, the available evidence is currently insufficient to determine the role of this variant in disease. Therefore, it has been classified as a Variant of Uncertain Significance. Algorithms developed to predict the effect of missense changes on protein structure and function are either unavailable or do not agree on the potential impact of this missense change (SIFT: "Deleterious"; PolyPhen-2: "Probably Damaging"; Align-GVGD: "Class C0"). This variant has not been reported in the literature in individuals with EDA-related disease. This variant is not present in population databases (ExAC no frequency). This sequence change replaces isoleucine with asparagine at codon 369 of the EDA protein (p.Ile369Asn). The isoleucine residue is highly conserved and there is a large physicochemical difference between isoleucine and asparagine.

NM_001399.5(EDA):c.1106T>A (p.Ile369Asn)

Gene: EDA (ectodysplasin A; plus strand). Cytogenetic location: Xq13.1.
Variant type: single nucleotide variant.
Coding change: c.1106T>A on transcript NM_001399.5 (MANE Select); coding-DNA position 1106, T replaced by A.
Protein change: p.Ile369Asn; replaces isoleucine 369 with asparagine.
Molecular consequence: missense variant.
Genome position (GRCh38, 1-based): chrX:70,035,539, T>A. VCF-style: chrX-70035539-T-A. GRCh37 (hg19) VCF-style: chrX-69255389-T-A.
Other names: c.1100T>A, p.Ile367Asn (NM_001005609.2); c.1091T>A, p.Ile364Asn (NM_001005612.3); short protein forms I369N, I367N, I364N.
Identifiers: ClinVar variation 568772 (VCV000568772.8), dbSNP rs1569407331, ClinGen allele CA413450298.